The following is an entry in ClinVar:

NM_005733.3(KIF20A):c.2070G>C (p.Gln690His)

Gene: KIF20A (kinesin family member 20A; plus strand). Cytogenetic location: 5q31.2.
Variant type: single nucleotide variant.
Coding change: c.2070G>C on transcript NM_005733.3 (MANE Select); coding-DNA position 2070, G replaced by C.
Protein change: p.Gln690His; replaces glutamine 690 with histidine.
Molecular consequence: missense variant.
Genome position (GRCh38, 1-based): chr5:138,185,655, G>C. VCF-style: chr5-138185655-G-C. GRCh37 (hg19) VCF-style: chr5-137521344-G-C.
Other names: short protein forms Q690H.
Identifiers: ClinVar variation 1976232 (VCV001976232.5), dbSNP rs2482189147, ClinGen allele CA361118240.

ClinVar aggregate classification (germline): Uncertain significance (1 of 4 stars; one submission).

Submission:

Labcorp Genetics (formerly Invitae), Labcorp
Classification: Uncertain significance. Last evaluated: 2022-04-11. Review status: criteria provided, single submitter. Criteria: Invitae Variant Classification Sherloc (09022015). Collection method: clinical testing. Allele origin: germline.
Comment: In summary, the available evidence is currently insufficient to determine the role of this variant in disease. Therefore, it has been classified as a Variant of Uncertain Significance. Algorithms developed to predict the effect of missense changes on protein structure and function output the following: SIFT: "Tolerated"; PolyPhen-2: "Benign"; Align-GVGD: "Class C0". The histidine amino acid residue is found in multiple mammalian species, which suggests that this missense change does not adversely affect protein function. This variant has not been reported in the literature in individuals affected with KIF20A-related conditions. This variant is not present in population databases (gnomAD no frequency). This sequence change replaces glutamine, which is neutral and polar, with histidine, which is basic and polar, at codon 690 of the KIF20A protein (p.Gln690His).